The following is an entry in ClinVar:

NM_001366521.1(ATP2B1):c.139C>T (p.Arg47Ter)

Gene: ATP2B1 (ATPase plasma membrane Ca2+ transporting 1; minus strand). Cytogenetic location: 12q21.33.
Variant type: single nucleotide variant.
Coding change: c.139C>T on transcript NM_001366521.1 (MANE Select); coding-DNA position 139, C replaced by T.
Protein change: p.Arg47Ter; replaces arginine 47 with a stop codon.
Molecular consequence: nonsense. On other transcripts: non-coding transcript variant (3).
Genome position (GRCh38, 1-based): chr12:89,655,748, G>A on the plus strand (C>T on the coding strand, the complement: ATP2B1 is on the minus strand). VCF-style: chr12-89655748-G-A. GRCh37 (hg19) VCF-style: chr12-90049525-G-A.
Other names: c.139C>T, p.Arg47Ter (NM_001001323.2, NM_001366520.1, NM_001366522.1 and 26 more transcripts); short protein forms R47*.
Identifiers: ClinVar variation 3603000 (VCV003603000.1).
Genomic context (GRCh38, chr12:89,655,748, plus strand): 5'-GAGATGTTTTCAATTTGGTGCAAATTCCATAGACATCTCCATAGCTTTCCTGTATTTTTC[G>A]TAATGCATCTGTGGACCTGAGCTCCATGAGAGCCCGCAGCTCTGCGAGCGTAATTCCAAA-3'

ClinVar aggregate classification (germline): Pathogenic (1 of 4 stars; one submission).

Submission:

GeneDx
Classification: Pathogenic. Last evaluated: 2024-08-05. Review status: criteria provided, single submitter. Criteria: GeneDx Variant Classification Process June 2021. Collection method: clinical testing. Allele origin: germline. Affected: yes.
Comment: Nonsense variant predicted to result in protein truncation or nonsense mediated decay in a gene for which loss of function is a known mechanism of disease; Not observed at significant frequency in large population cohorts (gnomAD); Has not been previously published as pathogenic or benign to our knowledge